The following is an entry in ClinVar:

NM_004036.5(ADCY3):c.2179T>C (p.Cys727Arg)

Gene: ADCY3 (adenylate cyclase 3; minus strand). Cytogenetic location: 2p23.3.
Variant type: single nucleotide variant.
Coding change: c.2179T>C on transcript NM_004036.5 (MANE Select); coding-DNA position 2179, T replaced by C.
Protein change: p.Cys727Arg; replaces cysteine 727 with arginine.
Molecular consequence: missense variant. On other transcripts: intron variant (2).
Genome position (GRCh38, 1-based): chr2:24,828,155, A>G on the plus strand (T>C on the coding strand, the complement: ADCY3 is on the minus strand). VCF-style: chr2-24828155-A-G. GRCh37 (hg19) VCF-style: chr2-25051024-A-G.
Other names: c.2179T>C, p.Cys727Arg (NM_001320613.2, NM_001377132.1); c.2245T>C, p.Cys749Arg (NM_001377128.1); c.1456T>C, p.Cys486Arg (NM_001377131.1); c.2172+2554T>C (NM_001377130.1); c.2173-132T>C (NM_001377129.1); c.2179T>C (NM_004036.4); short protein forms C727R, C749R, C486R.
Identifiers: ClinVar variation 3833240 (VCV003833240.2).

ClinVar aggregate classification (germline): Uncertain significance. Review status: criteria provided, multiple submitters, no conflicts (2 of 4 stars). 2 submissions from 2 submitters: Uncertain significance (2). Last evaluated 2025-07-26.

Conditions:
Inborn genetic diseases. Identifiers: MedGen C0950123, MeSH D030342.

gnomAD v4.1: 8 of 1,613,368 alleles (0.0005%); highest among the groups gnomAD compares: African/African-American, 0.0013%; no homozygotes.

Submissions (2):

GeneDx
Classification: Uncertain significance. Last evaluated: 2025-07-26. Review status: criteria provided, single submitter. Criteria: GeneDx Variant Classification Process June 2021. Collection method: clinical testing. Allele origin: germline. Affected: yes.
Comment: Not observed at significant frequency in large population cohorts (gnomAD); In silico analysis supports that this missense variant has a deleterious effect on protein structure/function; Has not been previously published as pathogenic or benign to our knowledge

Ambry Genetics
Classification: Uncertain significance for Inborn genetic diseases. Last evaluated: 2025-01-22. Review status: criteria provided, single submitter. Criteria: Ambry Variant Classification Scheme 2023. Collection method: clinical testing. Allele origin: germline.